The following is an entry in ClinVar:

NM_001136157.2(OTUD5):c.544G>C (p.Glu182Gln)

Gene: OTUD5 (OTU deubiquitinase 5; minus strand). Cytogenetic location: Xp11.23.
Variant type: single nucleotide variant.
Coding change: c.544G>C on transcript NM_001136157.2 (MANE Select); coding-DNA position 544, G replaced by C.
Protein change: p.Glu182Gln; replaces glutamic acid 182 with glutamine.
Molecular consequence: missense variant. On other transcripts: intron variant (1).
Genome position (GRCh38, 1-based): chrX:48,957,027, C>G on the plus strand (G>C on the coding strand, the complement: OTUD5 is on the minus strand). VCF-style: chrX-48957027-C-G. GRCh37 (hg19) VCF-style: chrX-48814289-C-G.
Other names: c.544G>C, p.Glu182Gln (NM_001136158.2, NM_017602.4); c.-58+1205G>C (NM_001136159.2); short protein forms E182Q.
Identifiers: ClinVar variation 3363448 (VCV003363448.1).

ClinVar aggregate classification (germline): Uncertain significance (1 of 4 stars; one submission).

Submission:

GeneDx
Classification: Uncertain significance. Last evaluated: 2023-11-04. Review status: criteria provided, single submitter. Criteria: GeneDx Variant Classification Process June 2021. Collection method: clinical testing. Allele origin: germline. Affected: yes.
Comment: Not observed at significant frequency in large population cohorts (gnomAD); In silico analysis supports that this missense variant does not alter protein structure/function; Has not been previously published as pathogenic or benign to our knowledge